The following is an entry in ClinVar:

NM_004360.5(CDH1):c.2369C>T (p.Thr790Ile)

Gene: CDH1 (cadherin 1; plus strand). Cytogenetic location: 16q22.1.
Variant type: single nucleotide variant.
Coding change: c.2369C>T on transcript NM_004360.5 (MANE Select); coding-DNA position 2369, C replaced by T.
Protein change: p.Thr790Ile; replaces threonine 790 with isoleucine.
Molecular consequence: missense variant.
Genome position (GRCh38, 1-based): chr16:68,829,727, C>T. VCF-style: chr16-68829727-C-T. GRCh37 (hg19) VCF-style: chr16-68863630-C-T.
Other names: p.T790I:ACC>ATC; c.2369C>T (LRG_301t1); c.2186C>T, p.Thr729Ile (NM_001317184.2); c.821C>T, p.Thr274Ile (NM_001317185.2); c.404C>T, p.Thr135Ile (NM_001317186.2); short protein forms T790I, T729I, T135I, T274I.
Identifiers: ClinVar variation 127924 (VCV000127924.33), dbSNP rs587780120, ClinGen allele CA288057.
Genomic context (GRCh38, chr16:68,829,727, plus strand): 5'-GCCAGCTGCACAGGGGCCTGGACGCTCGGCCTGAAGTGACTCGTAACGACGTTGCACCAA[C>T]CCTCATGAGTGTCCCCCGGTATCTTCCCCGCCCTGCCAATCCCGATGAAATTGGAAATTT-3'
Protein context (NP_004351.1, residues 780-800): PEVTRNDVAP[Thr790Ile]LMSVPRYLPR

ClinVar aggregate classification (germline): Conflicting classifications of pathogenicity. Review status: criteria provided, conflicting classifications (1 of 4 stars). 9 submissions from 9 submitters: Uncertain significance (7); Likely benign (2). Last evaluated 2026-01-27.

Conditions:
Blepharocheilodontic syndrome 1 (BCDS1). Identifiers: Orphanet 1997, MedGen C4551988, MONDO:0054740, OMIM 119580.
Breast and/or ovarian cancer. Identifiers: MedGen CN221562.
Hereditary diffuse gastric adenocarcinoma (HDGC). Also called: DIFFUSE GASTRIC AND LOBULAR BREAST CANCER SYNDROME. Identifiers: Orphanet 26106, MedGen C1708349, MONDO:0007648, OMIM 137215.
CDH1-related diffuse gastric and lobular breast cancer syndrome. Also called: CDH1-related diffuse gastric and lobular breast cancer. Identifiers: MedGen CN311521, MONDO:0100488.
Hereditary cancer-predisposing syndrome. Also called: Tumor predisposition; Hereditary neoplastic syndrome; Neoplastic Syndromes, Hereditary; Hereditary Cancer Syndrome. Identifiers: Orphanet 140162, MedGen C0027672, MeSH D009386, MONDO:0015356.

Allele frequency attached by ClinVar (database versions not stated): gnomAD 0.00001; gnomAD exomes 0.00001; TOPMed 0.00001.
gnomAD v4.1: 18 of 1,614,078 alleles (0.0011%); highest among the groups gnomAD compares: Middle Eastern, 0.049%; no homozygotes.

Submissions (9):

Labcorp Genetics (formerly Invitae), Labcorp
Classification: Likely benign for Hereditary diffuse gastric adenocarcinoma. Last evaluated: 2026-01-27. Review status: criteria provided, single submitter. Criteria: Invitae Variant Classification Sherloc (09022015). Collection method: clinical testing. Allele origin: germline.

Women's Health and Genetics/Laboratory Corporation of America, LabCorp
Classification: Uncertain significance. Last evaluated: 2025-05-12. Review status: criteria provided, single submitter. Criteria: LabCorp Variant Classification Summary - May 2015. Collection method: clinical testing. Allele origin: germline.
Comment: Variant summary: CDH1 c.2369C>T (p.Thr790Ile) results in a non-conservative amino acid change in the encoded protein sequence. Algorithms developed to predict the effect of missense changes on protein structure and function are either unavailable or do not agree on the potential impact of this missense change. The variant allele was found at a frequency of 8e-06 in 251468 control chromosomes. The available data on variant occurrences in the general population are insufficient to allow any conclusion about variant significance. c.2369C>T has been observed in the presumed heterozygous state in at least 2 individual(s) affected with clinical features of CDH1-related contitions, without strong evidence for causality (example, Yurgelun_2017, Sandoval_2021). These report(s) do not provide unequivocal conclusions about association of the variant with Hereditary Diffuse Gastric Cancer. To our knowledge, no experimental evidence demonstrating an impact on protein function has been reported. The following publications have been ascertained in the context of this evaluation (PMID: 26123647, 28135145, 35402282, 36243179, 33606809). ClinVar contains an entry for this variant (Variation ID: 127924). Based on the evidence outlined above, the variant was classified as uncertain significance.

GeneDx
Classification: Uncertain significance. Last evaluated: 2025-04-10. Review status: criteria provided, single submitter. Criteria: GeneDx Variant Classification Process June 2021. Collection method: clinical testing. Allele origin: germline. Affected: yes.
Comment: Observed in individuals with colon and/or breast cancer, but also present in controls groups (PMID: 28135145, 30287823, 35402282); Absent in individuals with isolated orofacial clefting, but observed in one control for whom personal and family cancer history is unknown (PMID: 26123647); Not observed at significant frequency in large population cohorts (gnomAD); In silico analysis supports that this missense variant has a deleterious effect on protein structure/function; This variant is associated with the following publications: (PMID: 28135145, 30287823, 35402282, 15235021, 22850631, 26123647, 36243179)

Blueprint Genetics
Classification: Uncertain significance. Last evaluated: 2024-09-05. Review status: criteria provided, single submitter. Criteria: ACMG Guidelines, 2015. Collection method: clinical testing. Allele origin: germline.

Color Diagnostics, LLC DBA Color Health
Classification: Uncertain significance for Hereditary cancer-predisposing syndrome. Last evaluated: 2024-05-31. Review status: criteria provided, single submitter. Criteria: ACMG Guidelines, 2015. Collection method: clinical testing. Allele origin: germline.
Comment: This missense variant replaces threonine with isoleucine at codon 790 of the CDH1 protein. To our knowledge, functional studies have not been reported for this variant. This variant has not been reported in individuals affected with CDH1-related disorders in the literature. This variant has been reported in an individual affected with colorectal cancer (PMID: 28135145), but also in unaffected controls (PMID: 30287823) This variant has been identified in 3/282826 chromosomes in the general population by the Genome Aggregation Database (gnomAD). The available evidence is insufficient to determine the role of this variant in disease conclusively. Therefore, this variant is classified as a Variant of Uncertain Significance.

CHEO Genetics Diagnostic Laboratory, Children's Hospital of Eastern Ontario
Classification: Uncertain significance for Breast and/or ovarian cancer. Last evaluated: 2023-06-12. Review status: criteria provided, single submitter. Criteria: ACMG Guidelines, 2015. Collection method: clinical testing. Allele origin: germline.

Department of Pathology and Laboratory Medicine, Sinai Health System
Classification: Uncertain significance for CDH1-related diffuse gastric and lobular breast cancer syndrome. Last evaluated: 2022-08-10. Review status: criteria provided, single submitter. Criteria: ACMG Guidelines, 2015. Collection method: clinical testing. Allele origin: germline. Affected: yes.

Ambry Genetics
Classification: Likely benign for Hereditary cancer-predisposing syndrome. Last evaluated: 2020-10-06. Review status: criteria provided, single submitter. Criteria: Ambry Variant Classification Scheme 2023. Collection method: clinical testing. Allele origin: germline.

Baylor Genetics
Classification: Uncertain significance for Blepharocheilodontic syndrome 1. Last evaluated: 2019-01-17. Review status: criteria provided, single submitter. Criteria: ACMG Guidelines, 2015. Collection method: clinical testing. Allele origin: maternal. Affected: yes. Study: CSER-TexasKidsCanSeq.
Comment: This variant was determined to be of uncertain significance according to ACMG Guidelines, 2015 [PMID:25741868].

Literature cited by the submitters: PubMed 26123647 (cited by Women's Health and Genetics/Laboratory Corporation of America, LabCorp and Ambry Genetics); PubMed 28135145 (cited by 4 submitters); PubMed 33606809 (cited by Women's Health and Genetics/Laboratory Corporation of America, LabCorp); PubMed 35402282 (cited by Women's Health and Genetics/Laboratory Corporation of America, LabCorp); PubMed 36243179 (cited by Women's Health and Genetics/Laboratory Corporation of America, LabCorp); PubMed 30287823 (cited by Color Diagnostics, LLC DBA Color Health and Ambry Genetics).